The following is an entry in ClinVar:

ClinVar aggregate classification (germline): Uncertain significance (1 of 4 stars; one submission).

Submission:

Labcorp Genetics (formerly Invitae), Labcorp
Classification: Uncertain significance. Last evaluated: 2022-02-02. Review status: criteria provided, single submitter. Criteria: Invitae Variant Classification Sherloc (09022015). Collection method: clinical testing. Allele origin: germline.
Comment: This variant has not been reported in the literature in individuals affected with KPNA7-related conditions. In summary, the available evidence is currently insufficient to determine the role of this variant in disease. Therefore, it has been classified as a Variant of Uncertain Significance. Algorithms developed to predict the effect of missense changes on protein structure and function are either unavailable or do not agree on the potential impact of this missense change (SIFT: "Deleterious"; PolyPhen-2: "Possibly Damaging"; Align-GVGD: "Class C0"). This variant is not present in population databases (gnomAD no frequency). This sequence change replaces valine, which is neutral and non-polar, with phenylalanine, which is neutral and non-polar, at codon 368 of the KPNA7 protein (p.Val368Phe).

NM_001145715.3(KPNA7):c.1102G>T (p.Val368Phe)

Gene: KPNA7 (karyopherin subunit alpha 7; minus strand). Cytogenetic location: 7q22.1.
Variant type: single nucleotide variant.
Coding change: c.1102G>T on transcript NM_001145715.3 (MANE Select); coding-DNA position 1102, G replaced by T.
Protein change: p.Val368Phe; replaces valine 368 with phenylalanine.
Molecular consequence: missense variant.
Genome position (GRCh38, 1-based): chr7:99,184,961, C>A on the plus strand (G>T on the coding strand, the complement: KPNA7 is on the minus strand). VCF-style: chr7-99184961-C-A. GRCh37 (hg19) VCF-style: chr7-98782584-C-A.
Other names: short protein forms V368F.
Identifiers: ClinVar variation 2091733 (VCV002091733.4), dbSNP rs770179673, ClinGen allele CA368419119.